The following is an entry in ClinVar:

ClinVar aggregate classification (germline): Uncertain significance (1 of 4 stars; one submission).

Conditions:
Inborn genetic diseases. Identifiers: MedGen C0950123, MeSH D030342.

Submission:

Ambry Genetics
Classification: Uncertain significance for Inborn genetic diseases. Last evaluated: 2026-07-20. Review status: criteria provided, single submitter. Criteria: Ambry Variant Classification Scheme 2023. Collection method: clinical testing. Allele origin: germline.
Comment: The p.S1115R variant (also known as c.3345C>A), located in coding exon 13 of the ASXL1 gene, results from a C to A substitution at nucleotide position 3345. The serine at codon 1115 is replaced by arginine, an amino acid with dissimilar properties. This amino acid position is conserved. In addition, this alteration is predicted to be tolerated by in silico analysis. Based on the available evidence, the clinical significance of this variant remains unclear.

NM_015338.6(ASXL1):c.3345C>A (p.Ser1115Arg)

Gene: ASXL1 (ASXL transcriptional regulator 1; plus strand). Cytogenetic location: 20q11.21.
Variant type: single nucleotide variant.
Coding change: c.3345C>A on transcript NM_015338.6 (MANE Select); coding-DNA position 3345, C replaced by A.
Protein change: p.Ser1115Arg; replaces serine 1115 with arginine.
Molecular consequence: missense variant.
Genome position (GRCh38, 1-based): chr20:32,436,057, C>A. VCF-style: chr20-32436057-C-A. GRCh37 (hg19) VCF-style: chr20-31023860-C-A.
Other names: c.3162C>A, p.Ser1054Arg (NM_001363734.1); short protein forms S1115R, S1054R.
Identifiers: ClinVar variation 5029982 (VCV005029982.1).
Genomic context (GRCh38, chr20:32,436,057, plus strand): 5'-CATGCCTGGGTCCTCAGTGGAGGCCACTAACCCACTTGTGATGCAGTTGCTGCAGGGTAG[C>A]TTGCCCCTAGAGAAGGTTCTTCCACCAGCCCACGATGACAGCATGTCAGAATCCCCACAA-3'
Protein context (NP_056153.2, residues 1105-1125): NPLVMQLLQG[Ser1115Arg]LPLEKVLPPA